The following is an entry in ClinVar:

ClinVar aggregate classification (germline): Likely pathogenic (1 of 4 stars; one submission).

Submission:

GeneDx
Classification: Likely pathogenic. Last evaluated: 2026-03-06. Review status: criteria provided, single submitter. Criteria: GeneDx Variant Classification Process June 2021. Collection method: clinical testing. Allele origin: germline.
Comment: Nonsense variant predicted to result in protein truncation or nonsense mediated decay in a gene for which loss of function is a known mechanism of disease; Not observed at significant frequency in large population cohorts (gnomAD); Has not been previously published as pathogenic or benign germline variant to our knowledge; This variant is associated with the following publications: (PMID: 21791476)

NM_002828.4(PTPN2):c.133C>T (p.Arg45Ter)

Gene: PTPN2 (protein tyrosine phosphatase non-receptor type 2; minus strand). Cytogenetic location: 18p11.21.
Variant type: single nucleotide variant.
Coding change: c.133C>T on transcript NM_002828.4 (MANE Select); coding-DNA position 133, C replaced by T.
Protein change: p.Arg45Ter; replaces arginine 45 with a stop codon.
Molecular consequence: nonsense.
Genome position (GRCh38, 1-based): chr18:12,859,191, G>A on the plus strand (C>T on the coding strand, the complement: PTPN2 is on the minus strand). VCF-style: chr18-12859191-G-A. GRCh37 (hg19) VCF-style: chr18-12859190-G-A.
Other names: c.133C>T, p.Arg45Ter (NM_001207013.2, NM_080422.3, NM_080423.3); short protein forms R45*.
Identifiers: ClinVar variation 4975143 (VCV004975143.1).
Genomic context (GRCh38, chr18:12,859,191, plus strand): 5'-AATACACATGCACACAAACCCACAAGTACTTACATGGGCTTACATCTCTGTATCTGTTTC[G>A]ATTTCTGTTTTCTGGAAACTTGGCCACTCTATGAGGATAGTCATGGGACTCATTTCGAAT-3'